The following is an entry in ClinVar:

ClinVar aggregate classification (germline): Benign. Review status: criteria provided, multiple submitters, no conflicts (2 of 4 stars). 2 submissions from 2 submitters: Benign (2). Last evaluated 2018-06-16.

Allele frequency attached by ClinVar (database versions not stated): 1000 Genomes Project 0.11522; 1000 Genomes Project 30x 0.12055; TOPMed 0.12633.
gnomAD v4.1: 129,592 of 1,488,362 alleles (8.7%); highest among the groups gnomAD compares: African/African-American, 23%; 6,663 homozygotes.

Submissions (7):

GeneDx
Classification: Benign. Last evaluated: 2018-06-16. Review status: criteria provided, single submitter. Criteria: GeneDx Variant Classification (06012015). Collection method: clinical testing. Allele origin: germline. Affected: yes.
Comment: This variant is considered likely benign or benign based on one or more of the following criteria: it is a conservative change, it occurs at a poorly conserved position in the protein, it is predicted to be benign by multiple in silico algorithms, and/or has population frequency not consistent with disease.

Breakthrough Genomics
Classification: Benign. Review status: criteria provided, single submitter. Criteria: ACMG Guidelines, 2015. Collection method: not provided. Allele origin: germline. Inheritance: Autosomal recessive inheritance. Affected: yes.

Dr. Peter K. Rogan Lab, Western University
No classification provided (evidence only). Condition: Gastric cancer. Review status: no classification provided. Collection method: in vitro. Allele origin: not applicable. Functional consequence: retained intron. Not counted in ClinVar's aggregate classification.

Dr. Peter K. Rogan Lab, Western University
No classification provided (evidence only). Condition: Acute myeloid leukemia. Review status: no classification provided. Collection method: in vitro. Allele origin: not applicable. Functional consequence: retained intron. Not counted in ClinVar's aggregate classification.

Dr. Peter K. Rogan Lab, Western University
No classification provided (evidence only). Condition: Thymoma. Review status: no classification provided. Collection method: in vitro. Allele origin: not applicable. Functional consequence: retained intron. Not counted in ClinVar's aggregate classification.

Dr. Peter K. Rogan Lab, Western University
No classification provided (evidence only). Condition: Thymoma. Review status: no classification provided. Collection method: in vitro. Allele origin: not applicable. Functional consequence: retained intron. Not counted in ClinVar's aggregate classification.

Dr. Peter K. Rogan Lab, Western University
No classification provided (evidence only). Condition: Gastric cancer. Review status: no classification provided. Collection method: in vitro. Allele origin: not applicable. Functional consequence: retained intron. Not counted in ClinVar's aggregate classification.

NM_031475.3(ESPN):c.2326-65G>C

Gene: ESPN (espin; plus strand). Cytogenetic location: 1p36.31.
Variant type: single nucleotide variant.
Coding change: c.2326-65G>C on transcript NM_031475.3 (MANE Select); 65 bases into the intron before coding-DNA position 2326, G replaced by C.
Molecular consequence: intron variant.
Genome position (GRCh38, 1-based): chr1:6,457,119, G>C. VCF-style: chr1-6457119-G-C. GRCh37 (hg19) VCF-style: chr1-6517179-G-C.
Other names: NC_000001.10:g.6517179G>C; c.2263-65G>C (NM_001367474.1); c.2236-65G>C (NM_001367473.1).
Identifiers: ClinVar variation 682801 (VCV000682801.3), dbSNP rs12092014, ClinGen allele CA15140752.